The following is an entry in ClinVar:

ClinVar aggregate classification (germline): Uncertain significance (1 of 4 stars; one submission).

Allele frequency attached by ClinVar (database versions not stated): gnomAD exomes below 0.00001.
gnomAD v4.1: 1 of 1,613,086 alleles (0.000062%); highest among the groups gnomAD compares: Non-Finnish European, 0.000085%; no homozygotes.

Submission:

GeneDx
Classification: Uncertain significance. Last evaluated: 2023-02-13. Review status: criteria provided, single submitter. Criteria: GeneDx Variant Classification Process June 2021. Collection method: clinical testing. Allele origin: germline. Affected: yes.
Comment: Not observed at significant frequency in large population cohorts (gnomAD); In silico analysis supports that this missense variant has a deleterious effect on protein structure/function; Has not been previously published as pathogenic or benign to our knowledge

NM_021614.4(KCNN2):c.1988A>T (p.His663Leu)

Genes: KCNN2 (potassium calcium-activated channel subfamily N member 2; plus strand), LOC101927078 (uncharacterized LOC101927078; minus strand). Cytogenetic location: 5q22.3.
Variant type: single nucleotide variant.
Coding change: c.1988A>T on transcript NM_021614.4 (MANE Select); coding-DNA position 1988, A replaced by T.
Protein change: p.His663Leu; replaces histidine 663 with leucine.
Molecular consequence: missense variant. On other transcripts: non-coding transcript variant (2).
Genome position (GRCh38, 1-based): chr5:114,487,147, A>T. VCF-style: chr5-114487147-A-T. GRCh37 (hg19) VCF-style: chr5-113822844-A-T.
Other names: c.2186A>T, p.His729Leu (NM_001372233.1); c.308A>T, p.His103Leu (NM_170775.3); short protein forms H103L, H663L, H729L.
Identifiers: ClinVar variation 2575728 (VCV002575728.1), dbSNP rs2531615398, ClinGen allele CA360706048.